The following is an entry in ClinVar:

ClinVar aggregate classification (germline): Uncertain significance. Review status: criteria provided, multiple submitters, no conflicts (2 of 4 stars). 3 submissions from 3 submitters: Uncertain significance (3). Last evaluated 2025-06-09.

Conditions:
Fanconi anemia (FA). Also called: Fanconi's anemia. Identifiers: Orphanet 84, MedGen C0015625, MeSH D005199, MONDO:0019391.
Inborn genetic diseases. Identifiers: MedGen C0950123, MeSH D030342.

Allele frequency attached by ClinVar (database versions not stated): TOPMed below 0.00001; ExAC 0.00001; gnomAD 0.00001; gnomAD exomes 0.00001.
gnomAD v4.1: 12 of 1,580,680 alleles (0.00076%); highest among the groups gnomAD compares: African/African-American, 0.0013%; no homozygotes.

Submissions (3):

Ambry Genetics
Classification: Uncertain significance for Inborn genetic diseases. Last evaluated: 2025-06-09. Review status: criteria provided, single submitter. Criteria: Ambry Variant Classification Scheme 2023. Collection method: clinical testing. Allele origin: germline.
Comment: The p.N604D variant (also known as c.1810A>G), located in coding exon 11 of the FANCM gene, results from an A to G substitution at nucleotide position 1810. The asparagine at codon 604 is replaced by aspartic acid, an amino acid with highly similar properties. This amino acid position is conserved. In addition, this alteration is predicted to be tolerated by in silico analysis. Based on the available evidence, the clinical significance of this variant remains unclear.

GeneDx
Classification: Uncertain significance. Last evaluated: 2024-01-17. Review status: criteria provided, single submitter. Criteria: GeneDx Variant Classification Process June 2021. Collection method: clinical testing. Allele origin: germline. Affected: yes.
Comment: Not observed at significant frequency in large population cohorts (gnomAD); In silico analysis supports that this missense variant has a deleterious effect on protein structure/function; Has not been previously published as pathogenic or benign to our knowledge

Labcorp Genetics (formerly Invitae), Labcorp
Classification: Uncertain significance for Fanconi anemia. Last evaluated: 2022-05-05. Review status: criteria provided, single submitter. Criteria: Invitae Variant Classification Sherloc (09022015). Collection method: clinical testing. Allele origin: germline.
Comment: In summary, the available evidence is currently insufficient to determine the role of this variant in disease. Therefore, it has been classified as a Variant of Uncertain Significance. Algorithms developed to predict the effect of missense changes on protein structure and function (SIFT, PolyPhen-2, Align-GVGD) all suggest that this variant is likely to be tolerated. This variant has not been reported in the literature in individuals affected with FANCM-related conditions. This variant is present in population databases (rs747221607, gnomAD 0.007%). This sequence change replaces asparagine, which is neutral and polar, with aspartic acid, which is acidic and polar, at codon 604 of the FANCM protein (p.Asn604Asp).

NM_020937.4(FANCM):c.1810A>G (p.Asn604Asp)

Gene: FANCM (FA complementation group M; plus strand). Cytogenetic location: 14q21.2.
Variant type: single nucleotide variant.
Coding change: c.1810A>G on transcript NM_020937.4 (MANE Select); coding-DNA position 1810, A replaced by G.
Protein change: p.Asn604Asp; replaces asparagine 604 with aspartic acid.
Molecular consequence: missense variant.
Genome position (GRCh38, 1-based): chr14:45,166,971, A>G. VCF-style: chr14-45166971-A-G. GRCh37 (hg19) VCF-style: chr14-45636174-A-G.
Other names: c.1732A>G, p.Asn578Asp (NM_001308133.2); c.1810A>G, p.Asn604Asp (NM_001308134.2); short protein forms N578D, N604D.
Identifiers: ClinVar variation 2142037 (VCV002142037.6), dbSNP rs747221607, ClinGen allele CA7169164.